The following is an entry in ClinVar:

ClinVar aggregate classification (germline): Uncertain significance (1 of 4 stars; one submission).

Conditions:
Hereditary nonpolyposis colorectal neoplasms. Identifiers: MedGen C0009405, MeSH D003123.

Submission:

Labcorp Genetics (formerly Invitae), Labcorp
Classification: Uncertain significance for Hereditary nonpolyposis colorectal neoplasms. Last evaluated: 2024-03-13. Review status: criteria provided, single submitter. Criteria: Invitae Variant Classification Sherloc (09022015). Collection method: clinical testing. Allele origin: germline.
Comment: This sequence change replaces alanine, which is neutral and non-polar, with serine, which is neutral and polar, at codon 16 of the MSH6 protein (p.Ala16Ser). This variant is not present in population databases (gnomAD no frequency). This variant has not been reported in the literature in individuals affected with MSH6-related conditions. Advanced modeling of protein sequence and biophysical properties (such as structural, functional, and spatial information, amino acid conservation, physicochemical variation, residue mobility, and thermodynamic stability) performed at Invitae indicates that this missense variant is not expected to disrupt MSH6 protein function with a negative predictive value of 95%. In summary, the available evidence is currently insufficient to determine the role of this variant in disease. Therefore, it has been classified as a Variant of Uncertain Significance.

NM_000179.3(MSH6):c.46G>T (p.Ala16Ser)

Gene: MSH6 (mutS homolog 6; plus strand). Cytogenetic location: 2p16.3.
Variant type: single nucleotide variant.
Coding change: c.46G>T on transcript NM_000179.3 (MANE Select); coding-DNA position 46, G replaced by T.
Protein change: p.Ala16Ser; replaces alanine 16 with serine.
Molecular consequence: missense variant. On other transcripts: 5 prime UTR variant (8), non-coding transcript variant (5), intron variant (5).
Genome position (GRCh38, 1-based): chr2:47,783,279, G>T. VCF-style: chr2-47783279-G-T. GRCh37 (hg19) VCF-style: chr2-48010418-G-T.
Other names: c.46G>T, p.Ala16Ser (NM_001281492.2, NM_001406795.1, NM_001406796.1 and 9 more transcripts); c.-691G>T (NM_001281493.2, NM_001406811.1); c.-283G>T (NM_001406799.1); c.-10G>T (NM_001406804.1); c.-883G>T (NM_001406807.1); c.-538G>T (NM_001406812.1); c.-949G>T (NM_001406814.1); c.-494G>T (NM_001406816.1); and 3 more; short protein forms A16S.
Identifiers: ClinVar variation 3619642 (VCV003619642.2).